The following is an entry in ClinVar:

ClinVar aggregate classification (germline): Likely benign (0 of 4 stars; one submission).

Conditions:
IRAK1-related disorder. Also called: IRAK1-related condition.

Allele frequency attached by ClinVar (database versions not stated): TOPMed 0.00002; gnomAD 0.00005; gnomAD exomes 0.00007; ExAC 0.00011.
gnomAD v4.1: 76 of 1,195,907 alleles (0.0064%); highest among the groups gnomAD compares: Non-Finnish European, 0.0077%; no homozygotes.

Submission:

PreventionGenetics, part of Exact Sciences
Classification: Likely benign for IRAK1-related condition. Last evaluated: 2023-06-02. Review status: no assertion criteria provided. Collection method: clinical testing. Allele origin: germline.
Comment: This variant is classified as likely benign based on ACMG/AMP sequence variant interpretation guidelines (Richards et al. 2015 PMID: 25741868, with internal and published modifications).

NM_001569.4(IRAK1):c.639G>A (p.Ser213=)

Gene: IRAK1 (interleukin 1 receptor associated kinase 1; minus strand). Cytogenetic location: Xq28.
Variant type: single nucleotide variant.
Coding change: c.639G>A on transcript NM_001569.4 (MANE Select); coding-DNA position 639, G replaced by A.
Protein change: p.Ser213=; no amino-acid change (serine 213 retained).
Molecular consequence: synonymous variant.
Genome position (GRCh38, 1-based): chrX:154,018,689, C>T on the plus strand (G>A on the coding strand, the complement: IRAK1 is on the minus strand). VCF-style: chrX-154018689-C-T. GRCh37 (hg19) VCF-style: chrX-153284140-C-T.
Other names: c.639G>A, p.Ser213= (NM_001025242.2, NM_001025243.2); c.717G>A, p.Ser239= (NM_001410701.1).
Identifiers: ClinVar variation 3029208 (VCV003029208.2), dbSNP rs782106693, ClinGen allele CA10558290.